The following is an entry in ClinVar:

ClinVar aggregate classification (germline): Uncertain significance (1 of 4 stars; one submission).

Conditions:
Inborn genetic diseases. Identifiers: MedGen C0950123, MeSH D030342.

Submission:

Ambry Genetics
Classification: Uncertain significance for Inborn genetic diseases. Last evaluated: 2021-07-14. Review status: criteria provided, single submitter. Criteria: Ambry Variant Classification Scheme 2023. Collection method: clinical testing. Allele origin: germline.
Comment: The p.A177T variant (also known as c.529G>A), located in coding exon 4 of the DNM2 gene, results from a G to A substitution at nucleotide position 529. The alanine at codon 177 is replaced by threonine, an amino acid with similar properties. This amino acid position is conserved. In addition, this alteration is predicted to be deleterious by in silico analysis. Since supporting evidence is limited at this time, the clinical significance of this alteration remains unclear.

NM_001005361.3(DNM2):c.529G>A (p.Ala177Thr)

Gene: DNM2 (dynamin 2; plus strand). Cytogenetic location: 19p13.2.
Variant type: single nucleotide variant.
Coding change: c.529G>A on transcript NM_001005361.3 (MANE Select); coding-DNA position 529, G replaced by A.
Protein change: p.Ala177Thr; replaces alanine 177 with threonine.
Molecular consequence: missense variant.
Genome position (GRCh38, 1-based): chr19:10,775,846, G>A. VCF-style: chr19-10775846-G-A. GRCh37 (hg19) VCF-style: chr19-10886522-G-A.
Other names: c.529G>A, p.Ala177Thr (NM_001005360.3, NM_001005362.3, NM_001190716.2 and 1 more transcripts); short protein forms A177T.
Identifiers: ClinVar variation 1746677 (VCV001746677.2), dbSNP rs2513153191, ClinGen allele CA404042760.